The following is an entry in ClinVar:

ClinVar aggregate classification (germline): Uncertain significance. Review status: criteria provided, multiple submitters, no conflicts (2 of 4 stars). 2 submissions from 2 submitters: Uncertain significance (2). Last evaluated 2024-05-22.

Conditions:
Supravalvar aortic stenosis (SVAS). Also called: Supravalvar aortic stenosis, Eisenberg type. Identifiers: Orphanet 3193, MedGen C0003499, MONDO:0008504, OMIM 185500, HP:0004381.

gnomAD v4.1: 26 of 1,550,532 alleles (0.0017%); highest among the groups gnomAD compares: African/African-American, 0.011%; no homozygotes.

Submissions (2):

Labcorp Genetics (formerly Invitae), Labcorp
Classification: Uncertain significance for Supravalvar aortic stenosis. Last evaluated: 2024-05-22. Review status: criteria provided, single submitter. Criteria: Invitae Variant Classification Sherloc (09022015). Collection method: clinical testing. Allele origin: germline.
Comment: This sequence change replaces alanine, which is neutral and non-polar, with threonine, which is neutral and polar, at codon 691 of the ELN protein (p.Ala691Thr). The frequency data for this variant in the population databases is considered unreliable, as metrics indicate poor data quality at this position in the gnomAD database. This variant has not been reported in the literature in individuals affected with ELN-related conditions. Advanced modeling of protein sequence and biophysical properties (such as structural, functional, and spatial information, amino acid conservation, physicochemical variation, residue mobility, and thermodynamic stability) performed at Invitae indicates that this missense variant is not expected to disrupt ELN protein function with a negative predictive value of 80%. In summary, the available evidence is currently insufficient to determine the role of this variant in disease. Therefore, it has been classified as a Variant of Uncertain Significance.

GeneDx
Classification: Uncertain significance. Last evaluated: 2024-03-01. Review status: criteria provided, single submitter. Criteria: GeneDx Variant Classification Process June 2021. Collection method: clinical testing. Allele origin: germline. Affected: yes.
Comment: In silico analysis supports that this missense variant does not alter protein structure/function; Has not been previously published as pathogenic or benign to our knowledge

NM_000501.4(ELN):c.1885G>A (p.Ala629Thr)

Gene: ELN (elastin; plus strand). Cytogenetic location: 7q11.23.
Variant type: single nucleotide variant.
Coding change: c.1885G>A on transcript NM_000501.4 (MANE Select); coding-DNA position 1885, G replaced by A.
Protein change: p.Ala629Thr; replaces alanine 629 with threonine.
Molecular consequence: missense variant.
Genome position (GRCh38, 1-based): chr7:74,063,336, G>A. VCF-style: chr7-74063336-G-A. GRCh37 (hg19) VCF-style: chr7-73477666-G-A.
Other names: c.1798G>A, p.Ala600Thr (NM_001081752.3); c.1843G>A, p.Ala615Thr (NM_001081753.3); c.1900G>A, p.Ala634Thr (NM_001081754.3); c.1828G>A, p.Ala610Thr (NM_001081755.3); c.1885G>A, p.Ala629Thr (NM_001278912.2); c.1642G>A, p.Ala548Thr (NM_001278913.2); c.1813G>A, p.Ala605Thr (NM_001278914.2); c.1903G>A, p.Ala635Thr (NM_001278915.2); and 4 more; short protein forms A540T, A548T, A581T, A600T, A605T, A610T, A615T, A619T.
Identifiers: ClinVar variation 3373547 (VCV003373547.3).
Genomic context (GRCh38, chr7:74,063,336, plus strand): 5'-AGAGTGCCTCCCTGAACTCGGTCTGTGTTCCCAGGAGCCGGACCCGCCGCCGCCGCTGCC[G>A]CAGCCAAAGCTGCTGCCAAAGCCGCCCAGTTTGGTGAGCACTGGGTGGAGGTGGGAGCTG-3'
Protein context (NP_000492.2, residues 619-639): VGAGPAAAAA[Ala629Thr]AKAAAKAAQF